The following is an entry in ClinVar:

NM_001101362.3(KBTBD13):c.247G>T (p.Glu83Ter)

Gene: KBTBD13 (kelch repeat and BTB domain containing 13; plus strand). Cytogenetic location: 15q22.31.
Variant type: single nucleotide variant.
Coding change: c.247G>T on transcript NM_001101362.3 (MANE Select); coding-DNA position 247, G replaced by T.
Protein change: p.Glu83Ter; replaces glutamic acid 83 with a stop codon.
Molecular consequence: nonsense.
Genome position (GRCh38, 1-based): chr15:65,077,062, G>T. VCF-style: chr15-65077062-G-T. GRCh37 (hg19) VCF-style: chr15-65369400-G-T.
Other names: short protein forms E83*.
Identifiers: ClinVar variation 1364404 (VCV001364404.8), dbSNP rs781438362, ClinGen allele CA392859077.

ClinVar aggregate classification (germline): Uncertain significance (1 of 4 stars; one submission).

Conditions:
Nemaline myopathy 6 (NEM6). Also called: Nemaline myopathy 6, autosomal dominant. Identifiers: Orphanet 171439, MedGen C1836472, MONDO:0012237, OMIM 609273.

gnomAD v4.1: 3 of 1,512,780 alleles (0.0002%); highest among the groups gnomAD compares: Non-Finnish European, 0.00026%; no homozygotes.

Submission:

Labcorp Genetics (formerly Invitae), Labcorp
Classification: Uncertain significance for Nemaline myopathy 6. Last evaluated: 2022-07-12. Review status: criteria provided, single submitter. Criteria: Invitae Variant Classification Sherloc (09022015). Collection method: clinical testing. Allele origin: germline.
Comment: This variant has not been reported in the literature in individuals affected with KBTBD13-related conditions. In summary, the available evidence is currently insufficient to determine the role of this variant in disease. Therefore, it has been classified as a Variant of Uncertain Significance. Experimental studies and prediction algorithms are not available or were not evaluated, and the functional significance of this variant is currently unknown. ClinVar contains an entry for this variant (Variation ID: 1364404). This variant is not present in population databases (gnomAD no frequency). This sequence change creates a premature translational stop signal (p.Glu83*) in the KBTBD13 gene. While this is not anticipated to result in nonsense mediated decay, it is expected to disrupt the last 376 amino acid(s) of the KBTBD13 protein.